The following is an entry in ClinVar:

NM_020778.5(ALPK3):c.2725G>T (p.Ala909Ser)

Gene: ALPK3 (alpha kinase 3; plus strand). Cytogenetic location: 15q25.3.
Variant type: single nucleotide variant.
Coding change: c.2725G>T on transcript NM_020778.5 (MANE Select); coding-DNA position 2725, G replaced by T.
Protein change: p.Ala909Ser; replaces alanine 909 with serine.
Molecular consequence: missense variant.
Genome position (GRCh38, 1-based): chr15:84,857,463, G>T. VCF-style: chr15-84857463-G-T. GRCh37 (hg19) VCF-style: chr15-85400694-G-T.
Other names: short protein forms A909S.
Identifiers: ClinVar variation 3291749 (VCV003291749.1).

ClinVar aggregate classification (germline): Uncertain significance (1 of 4 stars; one submission).

Conditions:
Cardiovascular phenotype. Identifiers: MedGen CN230736.

Submission:

Ambry Genetics
Classification: Uncertain significance for Cardiovascular phenotype. Last evaluated: 2024-06-03. Review status: criteria provided, single submitter. Criteria: Ambry Variant Classification Scheme 2023. Collection method: clinical testing. Allele origin: germline.
Comment: The p.A1111S variant (also known as c.3331G>T), located in coding exon 6 of the ALPK3 gene, results from a G to T substitution at nucleotide position 3331. The alanine at codon 1111 is replaced by serine, an amino acid with similar properties. This amino acid position is conserved. In addition, this alteration is predicted to be tolerated by in silico analysis. Based on the available evidence, the clinical significance of this variant remains unclear.